The following is an entry in ClinVar:

ClinVar aggregate classification (germline): Uncertain significance. Review status: criteria provided, multiple submitters, no conflicts (2 of 4 stars). 2 submissions from 2 submitters: Uncertain significance (2). Last evaluated 2024-03-31.

Conditions:
Inborn genetic diseases. Identifiers: MedGen C0950123, MeSH D030342.
Joubert syndrome 21 (JBTS21). Identifiers: MedGen C3810212, MONDO:0014288, OMIM 615636.

Submissions (2):

Ambry Genetics
Classification: Uncertain significance for Inborn genetic diseases. Last evaluated: 2024-03-31. Review status: criteria provided, single submitter. Criteria: Ambry Variant Classification Scheme 2023. Collection method: clinical testing. Allele origin: germline.

Labcorp Genetics (formerly Invitae), Labcorp
Classification: Uncertain significance for Joubert syndrome 21. Last evaluated: 2022-08-23. Review status: criteria provided, single submitter. Criteria: Invitae Variant Classification Sherloc (09022015). Collection method: clinical testing. Allele origin: germline.
Comment: In summary, the available evidence is currently insufficient to determine the role of this variant in disease. Therefore, it has been classified as a Variant of Uncertain Significance. Algorithms developed to predict the effect of missense changes on protein structure and function are either unavailable or do not agree on the potential impact of this missense change (SIFT: "Deleterious"; PolyPhen-2: "Benign"; Align-GVGD: "Class C0"). This variant has not been reported in the literature in individuals affected with CSPP1-related conditions. This variant is not present in population databases (gnomAD no frequency). This sequence change replaces alanine, which is neutral and non-polar, with valine, which is neutral and non-polar, at codon 648 of the CSPP1 protein (p.Ala648Val).

NM_001382391.1(CSPP1):c.1958C>T (p.Ala653Val)

Gene: CSPP1 (centrosome and spindle pole associated protein 1; plus strand). Cytogenetic location: 8q13.2.
Variant type: single nucleotide variant.
Coding change: c.1958C>T on transcript NM_001382391.1 (MANE Select); coding-DNA position 1958, C replaced by T.
Protein change: p.Ala653Val; replaces alanine 653 with valine.
Molecular consequence: missense variant.
Genome position (GRCh38, 1-based): chr8:67,137,586, C>T. VCF-style: chr8-67137586-C-T. GRCh37 (hg19) VCF-style: chr8-68049821-C-T.
Other names: c.1061C>T, p.Ala354Val (NM_001291339.2); c.1877C>T, p.Ala626Val (NM_001363131.2); c.1916C>T, p.Ala639Val (NM_001363132.2); c.1835C>T, p.Ala612Val (NM_001363133.2); c.2024C>T, p.Ala675Val (NM_001364869.1); c.1844C>T, p.Ala615Val (NM_001364870.1); c.1943C>T, p.Ala648Val (NM_024790.7); short protein forms A354V, A612V, A615V, A626V, A639V, A648V, A653V, A675V.
Identifiers: ClinVar variation 2417014 (VCV002417014.7), dbSNP rs1040474272, ClinGen allele CA178226384.